The following is an entry in ClinVar:

NM_024740.2(ALG9):c.1682A>G (p.Asn561Ser)

Gene: ALG9 (ALG9 alpha-1,2-mannosyltransferase; minus strand). Cytogenetic location: 11q23.1.
Variant type: single nucleotide variant.
Coding change: c.1682A>G on transcript NM_024740.2 (MANE Select); coding-DNA position 1682, A replaced by G.
Protein change: p.Asn561Ser; replaces asparagine 561 with serine.
Molecular consequence: missense variant. On other transcripts: non-coding transcript variant (1).
Genome position (GRCh38, 1-based): chr11:111,809,694, T>C on the plus strand (A>G on the coding strand, the complement: ALG9 is on the minus strand). VCF-style: chr11-111809694-T-C. GRCh37 (hg19) VCF-style: chr11-111680418-T-C.
Other names: c.1661A>G, p.Asn554Ser (NM_001077690.1, NM_001352417.1); c.1169A>G, p.Asn390Ser (NM_001077691.2, NM_001352413.1, NM_001352414.2 and 1 more transcripts); c.1148A>G, p.Asn383Ser (NM_001077692.2, NM_001352409.1, NM_001352410.1 and 6 more transcripts); c.1538A>G, p.Asn513Ser (NM_001352418.1); c.1073A>G, p.Asn358Ser (NM_001352422.2); c.1025A>G, p.Asn342Ser (NM_001352423.2); short protein forms N383S, N513S, N342S, N358S, N390S, N554S, N561S.
Identifiers: ClinVar variation 2048922 (VCV002048922.4), dbSNP rs782742740, ClinGen allele CA6274357.

ClinVar aggregate classification (germline): Uncertain significance (1 of 4 stars; one submission).

Conditions:
ALG9 congenital disorder of glycosylation (CDG1L). Also called: CONGENITAL DISORDER OF GLYCOSYLATION, TYPE Il; CDG Il; ALG9-CDG. Identifiers: Orphanet 79328, MedGen C2931006, MONDO:0012117, OMIM 608776.

Allele frequency attached by ClinVar (database versions not stated): gnomAD 0.00001; TOPMed 0.00001; ExAC 0.00003.
gnomAD v4.1: 22 of 1,614,008 alleles (0.0014%); highest among the groups gnomAD compares: Middle Eastern, 0.016%; no homozygotes.

Submission:

Labcorp Genetics (formerly Invitae), Labcorp
Classification: Uncertain significance for ALG9 congenital disorder of glycosylation. Last evaluated: 2025-10-20. Review status: criteria provided, single submitter. Criteria: Invitae Variant Classification Sherloc (09022015). Collection method: clinical testing. Allele origin: germline.
Comment: This sequence change replaces asparagine, which is neutral and polar, with serine, which is neutral and polar, at codon 561 of the ALG9 protein (p.Asn561Ser). This variant is present in population databases (rs782742740, gnomAD 0.009%). This variant has not been reported in the literature in individuals affected with ALG9-related conditions. ClinVar contains an entry for this variant (Variation ID: 2048922). Experimental studies and prediction algorithms are not available or were not evaluated, and the functional significance of this variant is currently unknown. In summary, the available evidence is currently insufficient to determine the role of this variant in disease. Therefore, it has been classified as a Variant of Uncertain Significance.